The following is an entry in ClinVar:

NM_001111.5(ADAR):c.1073A>G (p.Lys358Arg)

Gene: ADAR (adenosine deaminase RNA specific; minus strand). Cytogenetic location: 1q21.3.
Variant type: single nucleotide variant.
Coding change: c.1073A>G on transcript NM_001111.5 (MANE Select); coding-DNA position 1073, A replaced by G.
Protein change: p.Lys358Arg; replaces lysine 358 with arginine.
Molecular consequence: missense variant.
Genome position (GRCh38, 1-based): chr1:154,601,569, T>C on the plus strand (A>G on the coding strand, the complement: ADAR is on the minus strand). VCF-style: chr1-154601569-T-C. GRCh37 (hg19) VCF-style: chr1-154574045-T-C.
Other names: c.188A>G, p.Lys63Arg (NM_001025107.3, NM_001193495.2, NM_001365046.1 and 3 more transcripts); c.1100A>G, p.Lys367Arg (NM_001365045.1); c.1073A>G, p.Lys358Arg (NM_015840.4, NM_015841.4); short protein forms K358R, K367R, K63R.
Identifiers: ClinVar variation 2086604 (VCV002086604.4), dbSNP rs2526654039, ClinGen allele CA342598747.
Genomic context (GRCh38, chr1:154,601,569, plus strand): 5'-GCTGGAGCGGTTTCAGGAACACTGTTCGTATTTCTCTTGATTTGCATCCTCTCTCGCTTC[T>C]TGTCTGTCAAATGCCATATGGGAGGGGTTGTCCCTTGTCTATAGACATCCCCCTGCCTTT-3'
Protein context (NP_001102.3, residues 348-368): TTPPIWHLTD[Lys358Arg]KRERMQIKRN

ClinVar aggregate classification (germline): Uncertain significance (1 of 4 stars; one submission).

Conditions:
Aicardi-Goutieres syndrome 6 (AGS6). Identifiers: Orphanet 51, MedGen C3539013, MONDO:0014007, OMIM 615010.
Symmetrical dyschromatosis of extremities (DSH). Also called: RETICULATE ACROPIGMENTATION OF DOHI; SYMMETRIC DYSCHROMATOSIS OF THE EXTREMITIES; Dyschromatosis symmetrica hereditaria; DYSCHROMATOSIS SYMMETRICA HEREDITARIA 1. Identifiers: Orphanet 41, MedGen C0406775, MONDO:0007483, OMIM 127400.

Submission:

Labcorp Genetics (formerly Invitae), Labcorp
Classification: Uncertain significance for Aicardi-Goutieres syndrome 6; Symmetrical dyschromatosis of extremities. Last evaluated: 2022-01-17. Review status: criteria provided, single submitter. Criteria: Invitae Variant Classification Sherloc (09022015). Collection method: clinical testing. Allele origin: germline.
Comment: This sequence change replaces lysine, which is basic and polar, with arginine, which is basic and polar, at codon 358 of the ADAR protein (p.Lys358Arg). This variant is not present in population databases (gnomAD no frequency). In summary, the available evidence is currently insufficient to determine the role of this variant in disease. Therefore, it has been classified as a Variant of Uncertain Significance. Algorithms developed to predict the effect of missense changes on protein structure and function (SIFT, PolyPhen-2, Align-GVGD) all suggest that this variant is likely to be tolerated. This variant has not been reported in the literature in individuals affected with ADAR-related conditions.